The following is an entry in ClinVar:

NM_024753.5(TTC21B):c.2752A>G (p.Asn918Asp)

Gene: TTC21B (tetratricopeptide repeat domain 21B; minus strand). Cytogenetic location: 2q24.3.
Variant type: single nucleotide variant.
Coding change: c.2752A>G on transcript NM_024753.5 (MANE Select); coding-DNA position 2752, A replaced by G.
Protein change: p.Asn918Asp; replaces asparagine 918 with aspartic acid.
Molecular consequence: missense variant.
Genome position (GRCh38, 1-based): chr2:165,901,727, T>C on the plus strand (A>G on the coding strand, the complement: TTC21B is on the minus strand). VCF-style: chr2-165901727-T-C. GRCh37 (hg19) VCF-style: chr2-166758237-T-C.
Other names: c.2752A>G (NM_024753.3); short protein forms N918D.
Identifiers: ClinVar variation 1878777 (VCV001878777.3), dbSNP rs147900868, ClinGen allele CA1941737.
Genomic context (GRCh38, chr2:165,901,727, plus strand): 5'-GAAATTAGAAGACATCTGGAATAAAAGGTATTTAAAATTTTATAAAGGTACTGACCTTAT[T>C]ATCTGTTTCGCAGTGAACCAGAGCCTCTCTATAAAACTTAATTGCTTTTTCATAGTCTCG-3'
Protein context (NP_079029.3, residues 908-928): REALVHCETD[Asn918Asp]KIMLELARLY

ClinVar aggregate classification (germline): Uncertain significance. Review status: criteria provided, multiple submitters, no conflicts (2 of 4 stars). 3 submissions from 3 submitters: Uncertain significance (3). Last evaluated 2025-09-10.

Conditions:
Inborn genetic diseases. Identifiers: MedGen C0950123, MeSH D030342.
TTC21B-related disorder. Also called: TTC21B-related disorders; TTC21B-related condition.

Allele frequency attached by ClinVar (database versions not stated): gnomAD 0.00005; ESP Exome Variant Server 0.00008; gnomAD exomes below 0.00001; ExAC 0.00002.
gnomAD v4.1: 11 of 1,613,388 alleles (0.00068%); highest among the groups gnomAD compares: African/African-American, 0.013%; no homozygotes.

Submissions (3):

PreventionGenetics, part of Exact Sciences
Classification: Uncertain significance for TTC21B-related condition. Last evaluated: 2025-09-10. Review status: criteria provided, single submitter. Criteria: ACMG Guidelines, 2015. Collection method: clinical testing. Allele origin: germline.
Comment: The TTC21B c.2752A>G variant is predicted to result in the amino acid substitution p.Asn918Asp. To our knowledge, this variant has not been reported in the literature. This variant is reported in 0.012% of alleles in individuals of African descent in gnomAD. At this time, the clinical significance of this variant is uncertain due to the absence of conclusive functional and genetic evidence.

Ambry Genetics
Classification: Uncertain significance for Inborn genetic diseases. Last evaluated: 2024-11-07. Review status: criteria provided, single submitter. Criteria: Ambry Variant Classification Scheme 2023. Collection method: clinical testing. Allele origin: germline.

GeneDx
Classification: Uncertain significance. Last evaluated: 2022-07-14. Review status: criteria provided, single submitter. Criteria: GeneDx Variant Classification Process June 2021. Collection method: clinical testing. Allele origin: germline. Affected: yes.
Comment: Not observed at significant frequency in large population cohorts (gnomAD); In silico analysis supports that this missense variant does not alter protein structure/function; Has not been previously published as pathogenic or benign to our knowledge